The following is an entry in ClinVar:

ClinVar aggregate classification (germline): Benign/Likely benign. Review status: criteria provided, multiple submitters, no conflicts (2 of 4 stars). 2 submissions from 2 submitters: Benign (1); Likely benign (1). Last evaluated 2024-10-09.

Conditions:
Hereditary diffuse gastric adenocarcinoma (HDGC). Also called: DIFFUSE GASTRIC AND LOBULAR BREAST CANCER SYNDROME. Identifiers: Orphanet 26106, MedGen C1708349, MONDO:0007648, OMIM 137215.
Hereditary cancer-predisposing syndrome. Also called: Neoplastic Syndromes, Hereditary; Tumor predisposition; Hereditary Cancer Syndrome; Hereditary neoplastic syndrome. Identifiers: Orphanet 140162, MedGen C0027672, MeSH D009386, MONDO:0015356.

Submissions (2):

Myriad Genetics, Inc.
Classification: Benign for Hereditary diffuse gastric adenocarcinoma. Last evaluated: 2024-10-09. Review status: criteria provided, single submitter. Criteria: Myriad Autosomal Dominant, Autosomal Recessive and X-Linked Classification Criteria (2023). Collection method: clinical testing. Allele origin: unknown.
Comment: This variant is considered benign. This variant is a silent/synonymous amino acid change and it is not expected to impact splicing.

Ambry Genetics
Classification: Likely benign for Hereditary cancer-predisposing syndrome. Last evaluated: 2020-08-07. Review status: criteria provided, single submitter. Criteria: Ambry Variant Classification Scheme 2023. Collection method: clinical testing. Allele origin: germline.

NM_001903.5(CTNNA1):c.117T>C (p.Leu39=)

Gene: CTNNA1 (catenin alpha 1; plus strand). Cytogenetic location: 5q31.2.
Variant type: single nucleotide variant.
Coding change: c.117T>C on transcript NM_001903.5 (MANE Select); coding-DNA position 117, T replaced by C.
Protein change: p.Leu39=; no amino-acid change (leucine 39 retained).
Molecular consequence: synonymous variant. On other transcripts: 5 prime UTR variant (1), intron variant (1).
Genome position (GRCh38, 1-based): chr5:138,783,188, T>C. VCF-style: chr5-138783188-T-C. GRCh37 (hg19) VCF-style: chr5-138118877-T-C.
Other names: c.117T>C, p.Leu39= (NM_001290307.3, NM_001323982.2, NM_001323983.1 and 3 more transcripts); c.-90T>C (NM_001290310.3); c.-9+1159T>C (NM_001290309.3).
Identifiers: ClinVar variation 1741937 (VCV001741937.3), dbSNP rs1755320716, ClinGen allele CA446725057.